The following is an entry in ClinVar:

NM_003322.6(TULP1):c.521C>G (p.Pro174Arg)

Gene: TULP1 (TUB like protein 1; minus strand). Cytogenetic location: 6p21.31.
Variant type: single nucleotide variant.
Coding change: c.521C>G on transcript NM_003322.6 (MANE Select); coding-DNA position 521, C replaced by G.
Protein change: p.Pro174Arg; replaces proline 174 with arginine.
Molecular consequence: missense variant.
Genome position (GRCh38, 1-based): chr6:35,509,907, G>C on the plus strand (C>G on the coding strand, the complement: TULP1 is on the minus strand). VCF-style: chr6-35509907-G-C. GRCh37 (hg19) VCF-style: chr6-35477684-G-C.
Other names: c.362C>G, p.Pro121Arg (NM_001289395.2); short protein forms P121R, P174R.
Identifiers: ClinVar variation 1310266 (VCV001310266.7), dbSNP rs375213186, ClinGen allele CA3772891.

ClinVar aggregate classification (germline): Uncertain significance. Review status: criteria provided, multiple submitters, no conflicts (2 of 4 stars). 3 submissions from 3 submitters: Uncertain significance (3). Last evaluated 2023-10-13.

Allele frequency attached by ClinVar (database versions not stated): gnomAD exomes 0.00001 and 0.00002; ExAC 0.00002; ESP Exome Variant Server 0.00008; gnomAD 0.00009 and 0.00011.
gnomAD v4.1: 37 of 1,613,738 alleles (0.0023%); highest among the groups gnomAD compares: African/African-American, 0.032%; no homozygotes.

Submissions (3):

Blueprint Genetics
Classification: Uncertain significance. Last evaluated: 2023-10-13. Review status: criteria provided, single submitter. Criteria: ACMG Guidelines, 2015. Collection method: clinical testing. Allele origin: germline.

Labcorp Genetics (formerly Invitae), Labcorp
Classification: Uncertain significance. Last evaluated: 2022-10-24. Review status: criteria provided, single submitter. Criteria: Invitae Variant Classification Sherloc (09022015). Collection method: clinical testing. Allele origin: germline.
Comment: This sequence change replaces proline, which is neutral and non-polar, with arginine, which is basic and polar, at codon 174 of the TULP1 protein (p.Pro174Arg). This variant is present in population databases (rs375213186, gnomAD 0.02%). This variant has not been reported in the literature in individuals affected with TULP1-related conditions. ClinVar contains an entry for this variant (Variation ID: 1310266). Advanced modeling of protein sequence and biophysical properties (such as structural, functional, and spatial information, amino acid conservation, physicochemical variation, residue mobility, and thermodynamic stability) performed at Invitae indicates that this missense variant is not expected to disrupt TULP1 protein function. In summary, the available evidence is currently insufficient to determine the role of this variant in disease. Therefore, it has been classified as a Variant of Uncertain Significance.

GeneDx
Classification: Uncertain significance. Last evaluated: 2019-12-09. Review status: criteria provided, single submitter. Criteria: GeneDx Variant Classification Process June 2021. Collection method: clinical testing. Allele origin: germline. Affected: yes.
Comment: In silico analysis, which includes protein predictors and evolutionary conservation, supports a deleterious effect; Has not been previously published as pathogenic or benign to our knowledge